The following is an entry in ClinVar:

NM_000535.7(PMS2):c.2210C>A (p.Ala737Asp)

Gene: PMS2 (PMS1 homolog 2, mismatch repair system component; minus strand). Cytogenetic location: 7p22.1.
Variant type: single nucleotide variant.
Coding change: c.2210C>A on transcript NM_000535.7 (MANE Select); coding-DNA position 2210, C replaced by A.
Protein change: p.Ala737Asp; replaces alanine 737 with aspartic acid.
Molecular consequence: missense variant. On other transcripts: non-coding transcript variant (1).
Genome position (GRCh38, 1-based): chr7:5,978,661, G>T on the plus strand (C>A on the coding strand, the complement: PMS2 is on the minus strand). VCF-style: chr7-5978661-G-T. GRCh37 (hg19) VCF-style: chr7-6018292-G-T.
Other names: c.1805C>A, p.Ala602Asp (NM_001322003.2, NM_001322004.2, NM_001322005.2 and 1 more transcripts); c.2054C>A, p.Ala685Asp (NM_001322006.2); c.1892C>A, p.Ala631Asp (NM_001322007.2, NM_001322008.2); c.1277C>A, p.Ala426Asp (NM_001322011.2, NM_001322012.2); c.1637C>A, p.Ala546Asp (NM_001322013.2); c.2210C>A, p.Ala737Asp (NM_001322014.2); c.1901C>A, p.Ala634Asp (NM_001322015.2); c.1649C>A, p.Ala550Asp (NM_001322010.2); short protein forms A546D, A634D, A426D, A550D, A602D, A737D, A631D, A685D.
Identifiers: ClinVar variation 1439620 (VCV001439620.8), dbSNP rs2128683245, ClinGen allele CA366736799.

ClinVar aggregate classification (germline): Uncertain significance. Review status: criteria provided, multiple submitters, no conflicts (2 of 4 stars). 2 submissions from 2 submitters: Uncertain significance (2). Last evaluated 2022-01-26.

Conditions:
Hereditary nonpolyposis colorectal neoplasms. Identifiers: MedGen C0009405, MeSH D003123.
Hereditary cancer-predisposing syndrome. Also called: Neoplastic Syndromes, Hereditary; Hereditary Cancer Syndrome; Hereditary neoplastic syndrome; Tumor predisposition. Identifiers: Orphanet 140162, MedGen C0027672, MeSH D009386, MONDO:0015356.

Submissions (2):

Labcorp Genetics (formerly Invitae), Labcorp
Classification: Uncertain significance for Hereditary nonpolyposis colorectal neoplasms. Last evaluated: 2022-01-26. Review status: criteria provided, single submitter. Criteria: Invitae Variant Classification Sherloc (09022015). Collection method: clinical testing. Allele origin: germline.
Comment: This sequence change replaces alanine, which is neutral and non-polar, with aspartic acid, which is acidic and polar, at codon 737 of the PMS2 protein (p.Ala737Asp). The frequency data for this variant in the population databases (gnomAD) is considered unreliable due to the presence of homologous sequence, such as pseudogenes or paralogs, in the genome. This variant has not been reported in the literature in individuals affected with PMS2-related conditions. Advanced modeling of protein sequence and biophysical properties (such as structural, functional, and spatial information, amino acid conservation, physicochemical variation, residue mobility, and thermodynamic stability) performed at Invitae indicates that this missense variant is not expected to disrupt PMS2 protein function. In summary, the available evidence is currently insufficient to determine the role of this variant in disease. Therefore, it has been classified as a Variant of Uncertain Significance.

Ambry Genetics
Classification: Uncertain significance for Hereditary cancer-predisposing syndrome. Last evaluated: 2018-03-08. Review status: criteria provided, single submitter. Criteria: Ambry Variant Classification Scheme 2023. Collection method: clinical testing. Allele origin: germline.